The following is an entry in ClinVar:

NM_006941.4(SOX10):c.778G>A (p.Gly260Arg)

Genes: POLR2F (RNA polymerase II, I and III subunit F; plus strand), SOX10 (SRY-box transcription factor 10; minus strand). Cytogenetic location: 22q13.1.
Variant type: single nucleotide variant.
Coding change: c.778G>A on transcript NM_006941.4 (MANE Select); coding-DNA position 778, G replaced by A.
Protein change: p.Gly260Arg; replaces glycine 260 with arginine.
Molecular consequence: missense variant. On other transcripts: intron variant (3).
Genome position (GRCh38, 1-based): chr22:37,974,118, C>T on the plus strand (G>A on the coding strand, the complement: SOX10 is on the minus strand). VCF-style: chr22-37974118-C-T. GRCh37 (hg19) VCF-style: chr22-38370125-C-T.
Other names: c.*38+1808C>T (NM_001363825.1); c.293+6948C>T (NM_001301130.2, NM_001301131.2); short protein forms G260R.
Identifiers: ClinVar variation 1319818 (VCV001319818.9), dbSNP rs367743809, ClinGen allele CA10228588.
Genomic context (GRCh38, chr22:37,974,118, plus strand): 5'-CACCAATGTCCACGTTGCCGAAGTCGATGTGAGGCTTCCCGCCCTCCCCCATGGAGCGCC[C>T]GTCCCGCTTCGGGTCTGCCTTGCCCGACTGCAGCTCTGTCTTCGGGGTGGTTGGAGGGGT-3'
Protein context (NP_008872.1, residues 250-270): QSGKADPKRD[Gly260Arg]RSMGEGGKPH

ClinVar aggregate classification (germline): Uncertain significance. Review status: criteria provided, multiple submitters, no conflicts (2 of 4 stars). 2 submissions from 2 submitters: Uncertain significance (2). Last evaluated 2021-11-06.

Allele frequency attached by ClinVar (database versions not stated): ExAC 0.00002; gnomAD 0.00001; gnomAD exomes 0.00002; ESP Exome Variant Server 0.00008; TOPMed 0.00002.
gnomAD v4.1: 24 of 1,612,820 alleles (0.0015%); highest among the groups gnomAD compares: Middle Eastern, 0.016%; no homozygotes.

Submissions (2):

Labcorp Genetics (formerly Invitae), Labcorp
Classification: Uncertain significance. Last evaluated: 2021-11-06. Review status: criteria provided, single submitter. Criteria: Invitae Variant Classification Sherloc (09022015). Collection method: clinical testing. Allele origin: germline.
Comment: In summary, the available evidence is currently insufficient to determine the role of this variant in disease. Therefore, it has been classified as a Variant of Uncertain Significance. Algorithms developed to predict the effect of missense changes on protein structure and function are either unavailable or do not agree on the potential impact of this missense change (SIFT: "Tolerated"; PolyPhen-2: "Probably Damaging"; Align-GVGD: "Class C0"). This variant has not been reported in the literature in individuals affected with SOX10-related conditions. This variant is present in population databases (rs367743809, gnomAD 0.01%). This sequence change replaces glycine, which is neutral and non-polar, with arginine, which is basic and polar, at codon 260 of the SOX10 protein (p.Gly260Arg).

Institute for Clinical Genetics, University Hospital TU Dresden, University Hospital TU Dresden
Classification: Uncertain significance. Last evaluated: 2021-11-03. Review status: criteria provided, single submitter. Criteria: ACMG Guidelines, 2015. Collection method: clinical testing. Allele origin: germline.